The following is an entry in ClinVar:

GRCh37/hg19 5q35.2-35.3(chr5:175570678-177414568)x3

Genes: ARL10 (ARF like GTPase 10; plus strand), B4GALT7 (beta-1,4-galactosyltransferase 7; plus strand), CDHR2 (cadherin related family member 2; plus strand), CLTB (clathrin light chain B; minus strand), DBN1 (drebrin 1; minus strand) and 32 more. Cytogenetic location: 5q35.2-35.3.
Variant type: copy number gain.
Change: copy number 3 (three copies instead of two) of chr5:175,570,678-177,414,568 (1.84 Mb, GRCh37 coordinates, 1-based), cytogenetic band 5q35.2-35.3.
Identifiers: ClinVar variation 3391845 (VCV003391845.1).

ClinVar aggregate classification (germline): Pathogenic (1 of 4 stars; one submission).

Submission:

Quest Diagnostics Nichols Institute San Juan Capistrano
Classification: Pathogenic. Last evaluated: 2024-03-15. Review status: criteria provided, single submitter. Criteria: ACMG/ClinGen CNV Guidelines, 2019. Collection method: clinical testing. Allele origin: unknown.
Comment: This gain involves at least 37 protein-coding genes and overlaps the 5q35 recurrent region (ISCA-37425). Duplications of this recurrent region have been associated with a “reversed” Sotos syndrome phenotype (Dikow 2013, Quintero-Rivera 2021, Reis 2017, Rosenfeld 2013, Takkar 2022). There are no similar copy number gains of this region in the general populations of the Database of Genomic Variants. Thus, based on gene count and current medical literature, this CNV is classified as pathogenic. References: Dikow et al., Am J Med Genet A. 2013 Sep;161A(9):2158-66. PMID: 23913520; Quintero-Rivera et al., Hum Genet. 2021 Apr;140(4):681-690. PMID: 33389145; Reis et al., Genet Mol Res. 2017 Jan 23;16(1). PMID: 28128410; Rosenfeld et al., Mol Syndromol. 2013 Jan;3(6):247-54. PMID: 23599694; Takkar et al., Indian J Pediatr. 2022 Nov;89(11):1137-1139. PMID: 35925544